The following is an entry in ClinVar:

ClinVar aggregate classification (germline): Uncertain significance (1 of 4 stars; one submission).

Conditions:
DiGeorge syndrome. Also called: Catch22; THIRD AND FOURTH PHARYNGEAL POUCH SYNDROME. Identifiers: Orphanet 567, MedGen C0012236, MONDO:0008564, OMIM 188400.

Allele frequency attached by ClinVar (database versions not stated): gnomAD 0.00001; gnomAD exomes 0.00001; TOPMed 0.00002.
gnomAD v4.1: 18 of 1,609,732 alleles (0.0011%); highest among the groups gnomAD compares: Non-Finnish European, 0.0014%; no homozygotes.

Submission:

Labcorp Genetics (formerly Invitae), Labcorp
Classification: Uncertain significance for DiGeorge syndrome. Last evaluated: 2024-06-16. Review status: criteria provided, single submitter. Criteria: Invitae Variant Classification Sherloc (09022015). Collection method: clinical testing. Allele origin: germline.
Comment: This sequence change falls in intron 5 of the TBX1 gene. It does not directly change the encoded amino acid sequence of the TBX1 protein. It affects a nucleotide within the consensus splice site. This variant is present in population databases (no rsID available, gnomAD 0.0008%). This variant has not been reported in the literature in individuals affected with TBX1-related conditions. Variants that disrupt the consensus splice site are a relatively common cause of aberrant splicing (PMID: 17576681, 9536098). Algorithms developed to predict the effect of sequence changes on RNA splicing suggest that this variant is not likely to affect RNA splicing. In summary, the available evidence is currently insufficient to determine the role of this variant in disease. Therefore, it has been classified as a Variant of Uncertain Significance.

Literature cited by the submitters: PubMed 17576681; PubMed 9536098.

NM_001379200.1(TBX1):c.711+6C>T

Gene: TBX1 (T-box transcription factor 1; plus strand). Cytogenetic location: 22q11.21.
Variant type: single nucleotide variant.
Coding change: c.711+6C>T on transcript NM_001379200.1 (MANE Select); 6 bases into the intron after coding-DNA position 711, C replaced by T.
Molecular consequence: intron variant.
Genome position (GRCh38, 1-based): chr22:19,764,332, C>T. VCF-style: chr22-19764332-C-T. GRCh37 (hg19) VCF-style: chr22-19751855-C-T.
Other names: c.684+6C>T (NM_005992.1, NM_080646.2, NM_080647.1).
Identifiers: ClinVar variation 2869420 (VCV002869420.3), dbSNP rs1271853612, ClinGen allele CA638359061.